The following is an entry in ClinVar:

NM_000138.5(FBN1):c.3640_3641del (p.Asn1214fs)

Gene: FBN1 (fibrillin 1; minus strand). Cytogenetic location: 15q21.1.
Variant type: Deletion.
Coding change: c.3640_3641del on transcript NM_000138.5 (MANE Select); coding-DNA positions 3640 to 3641, 2 bases deleted (AA; older notation c.3640_3641delAA).
Protein change: p.Asn1214fs; shifts the reading frame from asparagine 1214.
Molecular consequence: frameshift variant.
Genome position (GRCh38, 1-based): chr15:48,485,445-48,485,446, TT deleted on the plus strand (AA on the coding strand, the reverse complement: FBN1 is on the minus strand); deleting any 2 consecutive bases within chr15:48,485,445-48,485,447 gives the same sequence; the c. name uses the placement nearest the transcript's 3' end. VCF-style (leftmost placement, unchanged base first): chr15-48485444-GTT-G. GRCh37 (hg19) VCF-style: chr15-48777641-GTT-G.
Other names: short protein forms N1214fs.
Identifiers: ClinVar variation 1687424 (VCV001687424.1), dbSNP rs2141291345, ClinGen allele CA2573150807.

ClinVar aggregate classification (germline): Likely pathogenic (1 of 4 stars; one submission).

Conditions:
Marfan syndrome (MFS). Also called: Marfan syndrome, classic; MARFAN SYNDROME, TYPE I; Marfan syndrome type 1; Marfan's syndrome; FBN1-Related Marfan Syndrome. Identifiers: Orphanet 284963, Orphanet 558, MedGen C0024796, MONDO:0007947, OMIM 154700.

Submission:

3billion
Classification: Likely pathogenic for Marfan syndrome. Last evaluated: 2022-05-22. Review status: criteria provided, single submitter. Criteria: ACMG Guidelines, 2015. Collection method: clinical testing. Allele origin: germline. Affected: yes. Observed: 1 heterozygote.
Comment: The variant is not observed in the gnomAD v2.1.1 dataset. Frameshift: predicted to result in a loss or disruption of normal protein function through nonsense-mediated decay (NMD) or protein truncation. Multiple pathogenic variants are reported downstream of the variant. Therefore, this variant is classified as likely pathogenic according to the recommendation of ACMG/AMP guideline.